The following is an entry in ClinVar:

ClinVar aggregate classification (germline): Benign/Likely benign. Review status: criteria provided, multiple submitters, no conflicts (2 of 4 stars). 4 submissions from 4 submitters: Benign (1); Likely benign (3). Last evaluated 2025-10-12.

Conditions:
LRSAM1-related disorder. Also called: LRSAM1-related condition.
Inborn genetic diseases. Identifiers: MedGen C0950123, MeSH D030342.
Charcot-Marie-Tooth disease axonal type 2P. Also called: CHARCOT-MARIE-TOOTH NEUROPATHY, TYPE 2P; CHARCOT-MARIE-TOOTH DISEASE, AXONAL, TYPE 2G; CMT 2G; Charcot-Marie-Tooth Neuropathy Type 2G. Identifiers: Orphanet 300319, Orphanet 99941, MedGen C3280797, MONDO:0013753, OMIM 614436.

Allele frequency attached by ClinVar (database versions not stated): TOPMed 0.00005; gnomAD 0.00048 and 0.00049; ExAC 0.00054; 1000 Genomes Project 0.00060; 1000 Genomes Project 30x 0.00062.
gnomAD v4.1: 370 of 1,611,738 alleles (0.023%); highest among the groups gnomAD compares: African/African-American, 0.011%; 2 homozygotes.

Submissions (4):

Labcorp Genetics (formerly Invitae), Labcorp
Classification: Benign for Charcot-Marie-Tooth disease axonal type 2P. Last evaluated: 2025-10-12. Review status: criteria provided, single submitter. Criteria: Invitae Variant Classification Sherloc (09022015). Collection method: clinical testing. Allele origin: germline.

PreventionGenetics, part of Exact Sciences
Classification: Likely benign for LRSAM1-related condition. Last evaluated: 2025-02-17. Review status: criteria provided, single submitter. Criteria: ACMG Guidelines, 2015. Collection method: clinical testing. Allele origin: germline.
Comment: This variant is classified as likely benign based on ACMG/AMP sequence variant interpretation guidelines (Richards et al. 2015 PMID: 25741868, with internal and published modifications).

Blueprint Genetics
Classification: Likely benign. Last evaluated: 2024-06-07. Review status: criteria provided, single submitter. Criteria: ACMG Guidelines, 2015. Collection method: clinical testing. Allele origin: germline.

Ambry Genetics
Classification: Likely benign for Inborn genetic diseases. Last evaluated: 2019-07-11. Review status: criteria provided, single submitter. Criteria: Ambry Variant Classification Scheme 2023. Collection method: clinical testing. Allele origin: germline.

NM_001005373.4(LRSAM1):c.2121G>A (p.Pro707=)

Gene: LRSAM1 (leucine rich repeat and sterile alpha motif containing 1; plus strand). Cytogenetic location: 9q34.11.
Variant type: single nucleotide variant.
Coding change: c.2121G>A on transcript NM_001005373.4 (MANE Select); coding-DNA position 2121, G replaced by A.
Protein change: p.Pro707=; no amino-acid change (proline 707 retained).
Molecular consequence: synonymous variant. On other transcripts: non-coding transcript variant (2).
Genome position (GRCh38, 1-based): chr9:127,502,848, G>A. VCF-style: chr9-127502848-G-A. GRCh37 (hg19) VCF-style: chr9-130265127-G-A.
Other names: c.2121G>A (NM_138361.4); c.2121G>A, p.Pro707= (NM_001005374.4, NM_001384142.1, NM_138361.5); c.2040G>A, p.Pro680= (NM_001190723.3); c.2022G>A, p.Pro674= (NM_001384143.1); c.1332G>A, p.Pro444= (NM_001384144.1).
Identifiers: ClinVar variation 414877 (VCV000414877.16), dbSNP rs570732998, ClinGen allele CA5247266.